The following is an entry in ClinVar:

ClinVar aggregate classification (germline): Uncertain significance (1 of 4 stars; one submission).

Conditions:
Mucopolysaccharidosis, MPS-III-C (MPS3C). Also called: SANFILIPPO SYNDROME C; MPS III C; MPS IIIC (Sanfilippo Syndrome Type C); MUCOPOLYSACCHARIDOSIS, TYPE IIIC; Mucopolysaccharidosis type IIIC (Sanfilippo C); mucopolysaccharidosis type 3C. Identifiers: Orphanet 581, Orphanet 79271, MedGen C0086649, MONDO:0009657, OMIM 252930.
Retinitis pigmentosa 73 (RP73). Identifiers: Orphanet 791, MedGen C4225287, MONDO:0014687, OMIM 616544.

Allele frequency attached by ClinVar (database versions not stated): gnomAD exomes below 0.00001.
gnomAD v4.1: 1 of 1,600,988 alleles (0.000062%); highest among the groups gnomAD compares: Non-Finnish European, 0.000085%; no homozygotes.

Submission:

Labcorp Genetics (formerly Invitae), Labcorp
Classification: Uncertain significance for Retinitis pigmentosa 73; Mucopolysaccharidosis, MPS-III-C. Last evaluated: 2025-01-06. Review status: criteria provided, single submitter. Criteria: Invitae Variant Classification Sherloc (09022015). Collection method: clinical testing. Allele origin: germline.
Comment: This sequence change replaces glutamic acid, which is acidic and polar, with lysine, which is basic and polar, at codon 48 of the HGSNAT protein (p.Glu48Lys). This variant is present in population databases (no rsID available, gnomAD 0.0009%). This variant has not been reported in the literature in individuals affected with HGSNAT-related conditions. ClinVar contains an entry for this variant (Variation ID: 1488063). Invitae Evidence Modeling of protein sequence and biophysical properties (such as structural, functional, and spatial information, amino acid conservation, physicochemical variation, residue mobility, and thermodynamic stability) indicates that this missense variant is not expected to disrupt HGSNAT protein function with a negative predictive value of 95%. In summary, the available evidence is currently insufficient to determine the role of this variant in disease. Therefore, it has been classified as a Variant of Uncertain Significance.

NM_152419.3(HGSNAT):c.142G>A (p.Glu48Lys)

Gene: HGSNAT (heparan-alpha-glucosaminide N-acetyltransferase; plus strand). Cytogenetic location: 8p11.21.
Variant type: single nucleotide variant.
Coding change: c.142G>A on transcript NM_152419.3 (MANE Select); coding-DNA position 142, G replaced by A.
Protein change: p.Glu48Lys; replaces glutamic acid 48 with lysine.
Molecular consequence: missense variant. On other transcripts: 5 prime UTR variant (1).
Genome position (GRCh38, 1-based): chr8:43,146,971, G>A. VCF-style: chr8-43146971-G-A. GRCh37 (hg19) VCF-style: chr8-43002114-G-A.
Other names: c.142G>A, p.Glu48Lys (NM_001363227.2, NM_001363228.2); c.-692G>A (NM_001363229.2); short protein forms E48K.
Identifiers: ClinVar variation 1488063 (VCV001488063.4), dbSNP rs1182131036, ClinGen allele CA371124786.